The following is an entry in ClinVar:

ClinVar aggregate classification (germline): Uncertain significance (1 of 4 stars; one submission).

Submission:

Ambry Genetics
Classification: Uncertain significance. Last evaluated: 2024-05-04. Review status: criteria provided, single submitter. Criteria: Ambry Variant Classification Scheme 2023. Collection method: clinical testing. Allele origin: germline.
Comment: The p.S132T variant (also known as c.395G>C), located in coding exon 1 of the PALLD gene, results from a G to C substitution at nucleotide position 395. The serine at codon 132 is replaced by threonine, an amino acid with similar properties. This amino acid position is conserved. In addition, this alteration is predicted to be tolerated by in silico analysis. Based on the available evidence, the clinical significance of this variant remains unclear.

NM_001166108.2(PALLD):c.395G>C (p.Ser132Thr)

Gene: PALLD (palladin, cytoskeletal associated protein; plus strand). Cytogenetic location: 4q32.3.
Variant type: single nucleotide variant.
Coding change: c.395G>C on transcript NM_001166108.2 (MANE Select); coding-DNA position 395, G replaced by C.
Protein change: p.Ser132Thr; replaces serine 132 with threonine.
Molecular consequence: missense variant.
Genome position (GRCh38, 1-based): chr4:168,511,899, G>C. VCF-style: chr4-168511899-G-C. GRCh37 (hg19) VCF-style: chr4-169433050-G-C.
Other names: c.395G>C, p.Ser132Thr (NM_016081.4); short protein forms S132T.
Identifiers: ClinVar variation 3304080 (VCV003304080.1).